The following is an entry in ClinVar:

ClinVar aggregate classification (germline): Uncertain significance (1 of 4 stars; one submission).

Submission:

Labcorp Genetics (formerly Invitae), Labcorp
Classification: Uncertain significance. Last evaluated: 2024-05-16. Review status: criteria provided, single submitter. Criteria: Invitae Variant Classification Sherloc (09022015). Collection method: clinical testing. Allele origin: germline.
Comment: This sequence change falls in intron 37 of the RNF213 gene. It does not directly change the encoded amino acid sequence of the RNF213 protein. Information on the frequency of this variant in the gnomAD database is not available, as this variant may be reported differently in the database. This variant has not been reported in the literature in individuals affected with RNF213-related conditions. Experimental studies and prediction algorithms are not available or were not evaluated, and the effect of this variant on mRNA splicing is currently unknown. In summary, the available evidence is currently insufficient to determine the role of this variant in disease. Therefore, it has been classified as a Variant of Uncertain Significance.

NM_001256071.3(RNF213):c.11055-21_11055-20delinsCT

Genes: RNF213 (ring finger protein 213; plus strand), RNF213-AS1 (RNF213 antisense RNA 1; minus strand). Cytogenetic location: 17q25.3.
Variant type: Indel.
Coding change: c.11055-21_11055-20delinsCT on transcript NM_001256071.3 (MANE Select); 21 bases into the intron before coding-DNA position 11055 through 20 bases into the intron before coding-DNA position 11055, TC replaced by CT.
Molecular consequence: intron variant.
Genome position (GRCh38, 1-based): chr17:80,360,040-80,360,041, TC replaced by CT. VCF-style: chr17-80360040-TC-CT. GRCh37 (hg19) VCF-style: chr17-78333840-TC-CT.
Other names: c.11202-21_11202-20delinsCT (NM_020914.5, NM_001410195.1).
Identifiers: ClinVar variation 3613537 (VCV003613537.2).